The following is an entry in ClinVar:

NM_001083614.2(EARS2):c.920T>C (p.Leu307Ser)

Gene: EARS2 (glutamyl-tRNA synthetase 2, mitochondrial; minus strand). Cytogenetic location: 16p12.2.
Variant type: single nucleotide variant.
Coding change: c.920T>C on transcript NM_001083614.2 (MANE Select); coding-DNA position 920, T replaced by C.
Protein change: p.Leu307Ser; replaces leucine 307 with serine.
Molecular consequence: missense variant. On other transcripts: non-coding transcript variant (1).
Genome position (GRCh38, 1-based): chr16:23,534,926, A>G on the plus strand (T>C on the coding strand, the complement: EARS2 is on the minus strand). VCF-style: chr16-23534926-A-G. GRCh37 (hg19) VCF-style: chr16-23546247-A-G.
Other names: c.920T>C, p.Leu307Ser (NM_001308211.1, NM_133451.1); short protein forms L307S.
Identifiers: ClinVar variation 2083151 (VCV002083151.7), dbSNP rs770916034, ClinGen allele CA7962474.

ClinVar aggregate classification (germline): Conflicting classifications of pathogenicity. Review status: criteria provided, conflicting classifications (1 of 4 stars). 3 submissions from 3 submitters: Likely pathogenic (1); Uncertain significance (2). Last evaluated 2025-10-22.

Allele frequency attached by ClinVar (database versions not stated): gnomAD exomes 0.00001; TOPMed 0.00001; ExAC 0.00002.
gnomAD v4.1: 7 of 1,597,094 alleles (0.00044%); highest among the groups gnomAD compares: Admixed American, 0.0068%; no homozygotes.

Submissions (3):

Labcorp Genetics (formerly Invitae), Labcorp
Classification: Likely pathogenic. Last evaluated: 2025-10-22. Review status: criteria provided, single submitter. Criteria: Invitae Variant Classification Sherloc (09022015). Collection method: clinical testing. Allele origin: germline.
Comment: This sequence change replaces leucine, which is neutral and non-polar, with serine, which is neutral and polar, at codon 307 of the EARS2 protein (p.Leu307Ser). This variant is present in population databases (rs770916034, gnomAD 0.006%). This missense change has been observed in individual(s) with clinical features of combined oxidative phosphorylation deficiency (PMID: 34440436; internal data). In at least one individual the data is consistent with being in trans (on the opposite chromosome) from a pathogenic variant. ClinVar contains an entry for this variant (Variation ID: 2083151). Invitae Evidence Modeling of protein sequence and biophysical properties (such as structural, functional, and spatial information, amino acid conservation, physicochemical variation, residue mobility, and thermodynamic stability) indicates that this missense variant is expected to disrupt EARS2 protein function with a positive predictive value of 95%. In summary, the currently available evidence indicates that the variant is pathogenic, but additional data are needed to prove that conclusively. Therefore, this variant has been classified as Likely Pathogenic.

Dasa
Classification: Uncertain significance. Last evaluated: 2025-01-09. Review status: criteria provided, single submitter. Criteria: DASA Assertion Criteria. Collection method: clinical testing. Allele origin: germline.
Comment: NM_001083614.2(EARS2):c.920T>C (p.Leu307Ser) is a missense variant that results in the substitution of leucine with serine. This variant has been observed in affected individuals with EARS2-related disorders. Also, this variant is rare in population databases. Computational prediction algorithms are consistent with a deleterious effect. The currently available literature and clinical evidence are not sufficient to establish a definitive association between this variant and the reported condition. Therefore, this variant is classified as a variant of uncertain significance.

Blueprint Genetics
Classification: Uncertain significance. Last evaluated: 2024-09-03. Review status: criteria provided, single submitter. Criteria: ACMG Guidelines, 2015. Collection method: clinical testing. Allele origin: germline.

Literature cited by the submitters: PubMed 34440436 (cited by Labcorp Genetics (formerly Invitae), Labcorp).